The following is an entry in ClinVar:

ClinVar aggregate classification (germline): Benign (0 of 4 stars; one submission).

Conditions:
DHX16-related disorder. Also called: DHX16-related condition.

Allele frequency attached by ClinVar (database versions not stated): ESP Exome Variant Server 0.00046; TOPMed 0.00088; gnomAD 0.00192; gnomAD exomes 0.00340; 1000 Genomes Project 30x 0.00422; 1000 Genomes Project 0.00439; ExAC 0.00624.

Submission:

PreventionGenetics, part of Exact Sciences
Classification: Benign for DHX16-related condition. Last evaluated: 2019-10-31. Review status: no assertion criteria provided. Collection method: clinical testing. Allele origin: germline.
Comment: This variant is classified as benign based on ACMG/AMP sequence variant interpretation guidelines (Richards et al. 2015 PMID: 25741868, with internal and published modifications).

NM_003587.5(DHX16):c.2357A>G (p.Tyr786Cys)

Gene: DHX16 (DEAH-box helicase 16; minus strand). Cytogenetic location: 6p21.33.
Variant type: single nucleotide variant.
Coding change: c.2357A>G on transcript NM_003587.5 (MANE Select); coding-DNA position 2357, A replaced by G.
Protein change: p.Tyr786Cys; replaces tyrosine 786 with cysteine.
Molecular consequence: missense variant.
Genome position (GRCh38, 1-based): chr6:30,656,464, T>C on the plus strand (A>G on the coding strand, the complement: DHX16 is on the minus strand). VCF-style: chr6-30656464-T-C. GRCh37 (hg19) VCF-style: chr6-30624241-T-C.
Other names: c.2177A>G, p.Tyr726Cys (NM_001164239.2); c.914A>G, p.Tyr305Cys (NM_001363515.2); short protein forms Y305C, Y726C, Y786C.
Identifiers: ClinVar variation 3056890 (VCV003056890.2), dbSNP rs149087216, ClinGen allele CA3700973.